The following is an entry in ClinVar:

NM_017763.6(RNF43):c.582+1G>C

Gene: RNF43 (ring finger protein 43; minus strand). Cytogenetic location: 17q22.
Variant type: single nucleotide variant.
Coding change: c.582+1G>C on transcript NM_017763.6 (MANE Select); the canonical splice donor site of the intron after coding-DNA position 582, G replaced by C.
Molecular consequence: splice donor variant.
Genome position (GRCh38, 1-based): chr17:58,363,274, C>G on the plus strand (G>C on the coding strand, the complement: RNF43 is on the minus strand). VCF-style: chr17-58363274-C-G. GRCh37 (hg19) VCF-style: chr17-56440635-C-G.
Other names: c.582+1G>C (NM_001438822.1, NM_001305544.3, NM_001438820.1 and 1 more transcripts); c.201+1G>C (NM_001305545.2, NM_001437987.1).
Identifiers: ClinVar variation 4812952 (VCV004812952.1).

ClinVar aggregate classification (germline): Likely pathogenic (1 of 4 stars; one submission).

Conditions:
Sessile serrated polyposis cancer syndrome (SSPCS). Identifiers: Orphanet 157798, MedGen C4310714, MONDO:0014919, OMIM 617108.

Submission:

Myriad Genetics, Inc.
Classification: Likely pathogenic for Sessile serrated polyposis cancer syndrome. Last evaluated: 2025-12-15. Review status: criteria provided, single submitter. Criteria: Myriad Autosomal Dominant, Autosomal Recessive and X-Linked Classification Criteria (2023). Collection method: clinical testing. Allele origin: unknown.
Comment: This variant is considered likely pathogenic. This variant occurs within a consensus splice junction and is predicted to result in abnormal mRNA splicing of either an out-of-frame exon or an in-frame exon necessary for protein stability and/or normal function.